The following is an entry in ClinVar:

NM_024577.4(SH3TC2):c.2873-4T>A

Gene: SH3TC2 (SH3 domain and tetratricopeptide repeats 2; minus strand). Cytogenetic location: 5q32.
Variant type: single nucleotide variant.
Coding change: c.2873-4T>A on transcript NM_024577.4 (MANE Select); 4 bases into the intron before coding-DNA position 2873, T replaced by A.
Molecular consequence: intron variant.
Genome position (GRCh38, 1-based): chr5:149,026,756, A>T on the plus strand (T>A on the coding strand, the complement: SH3TC2 is on the minus strand). VCF-style: chr5-149026756-A-T. GRCh37 (hg19) VCF-style: chr5-148406319-A-T.
Identifiers: ClinVar variation 387211 (VCV000387211.14), dbSNP rs771093927, ClinGen allele CA3498900.

ClinVar aggregate classification (germline): Conflicting classifications of pathogenicity. Review status: criteria provided, conflicting classifications (1 of 4 stars). 3 submissions from 3 submitters: Uncertain significance (1); Likely benign (2). Last evaluated 2024-02-09.

Conditions:
Inborn genetic diseases. Identifiers: MedGen C0950123, MeSH D030342.
Charcot-Marie-Tooth disease type 4. Also called: Charcot-Marie-Tooth disease, type IV; Charcot-Marie-Tooth, Type 4. Identifiers: Orphanet 64749, MedGen C4082197, MONDO:0018995.

Allele frequency attached by ClinVar (database versions not stated): ExAC 0.00001; gnomAD exomes 0.00001; gnomAD 0.00003; TOPMed 0.00027.
gnomAD v4.1: 29 of 1,614,114 alleles (0.0018%); highest among the groups gnomAD compares: Non-Finnish European, 0.0012%; no homozygotes.

Submissions (3):

Labcorp Genetics (formerly Invitae), Labcorp
Classification: Likely benign for Charcot-Marie-Tooth disease type 4. Last evaluated: 2024-02-09. Review status: criteria provided, single submitter. Criteria: Invitae Variant Classification Sherloc (09022015). Collection method: clinical testing. Allele origin: germline.

Ambry Genetics
Classification: Uncertain significance for Inborn genetic diseases. Last evaluated: 2020-08-11. Review status: criteria provided, single submitter. Criteria: Ambry Variant Classification Scheme 2023. Collection method: clinical testing. Allele origin: germline.
Comment: The c.2873-4T>A intronic variant results from a T to A substitution 4 nucleotides upstream from coding exon 12 in the SH3TC2 gene. This nucleotide position is not well conserved in available vertebrate species. In silico splice site analysis predicts that this alteration will not have any significant effect on splicing. Since supporting evidence is limited at this time, the clinical significance of this alteration remains unclear.

GeneDx
Classification: Likely benign. Last evaluated: 2019-03-01. Review status: criteria provided, single submitter. Criteria: GeneDx Variant Classification Process June 2021. Collection method: clinical testing. Allele origin: germline. Affected: yes.